The following is an entry in ClinVar:

ClinVar aggregate classification (germline): Conflicting classifications of pathogenicity. Review status: criteria provided, conflicting classifications (1 of 4 stars). 5 submissions from 5 submitters: Uncertain significance (4); Likely benign (1). Last evaluated 2025-08-13.

Conditions:
Spastic paraplegia. Identifiers: MedGen C0037772, HP:0001258.
Charlevoix-Saguenay spastic ataxia (SACS). Also called: SPASTIC ATAXIA 6, AUTOSOMAL RECESSIVE; AUTOSOMAL RECESSIVE SPASTIC ATAXIA OF CHARLEVOIX-SAGUENAY; Spastic ataxia of Charlevoix-Saguenay. Identifiers: Orphanet 98, MedGen C1849140, MONDO:0010041, OMIM 270550.

Allele frequency attached by ClinVar (database versions not stated): gnomAD 0.00004; TOPMed 0.00005; ESP Exome Variant Server 0.00008; gnomAD exomes 0.00012 and 0.00013; ExAC 0.00018.
gnomAD v4.1: 199 of 1,605,060 alleles (0.012%); highest among the groups gnomAD compares: Non-Finnish European, 0.015%; no homozygotes.

Submissions (5):

Labcorp Genetics (formerly Invitae), Labcorp
Classification: Likely benign for Spastic paraplegia. Last evaluated: 2025-08-13. Review status: criteria provided, single submitter. Criteria: Invitae Variant Classification Sherloc (09022015). Collection method: clinical testing. Allele origin: germline.

Mayo Clinic Laboratories, Mayo Clinic
Classification: Uncertain significance. Last evaluated: 2023-10-25. Review status: criteria provided, single submitter. Criteria: ACMG Guidelines, 2015. Collection method: clinical testing. Allele origin: germline. Observed: 1 variant allele.
Comment: BP4, PM2_moderate

Blueprint Genetics
Classification: Uncertain significance. Last evaluated: 2023-02-15. Review status: criteria provided, single submitter. Criteria: ACMG Guidelines, 2015. Collection method: clinical testing. Allele origin: germline.

Genome-Nilou Lab
Classification: Uncertain significance for Charlevoix-Saguenay spastic ataxia. Last evaluated: 2021-09-05. Review status: criteria provided, single submitter. Criteria: ACMG Guidelines, 2015. Collection method: clinical testing. Allele origin: germline. Affected: no.

Illumina Laboratory Services, Illumina
Classification: Uncertain significance for Charlevoix-Saguenay spastic ataxia. Last evaluated: 2018-01-13. Review status: criteria provided, single submitter. Criteria: ICSL Variant Classification Criteria 13 December 2019. Collection method: clinical testing. Allele origin: germline.

NM_014363.6(SACS):c.10576A>G (p.Ile3526Val)

Gene: SACS (sacsin molecular chaperone; minus strand). Cytogenetic location: 13q12.12.
Variant type: single nucleotide variant.
Coding change: c.10576A>G on transcript NM_014363.6 (MANE Select); coding-DNA position 10576, A replaced by G.
Protein change: p.Ile3526Val; replaces isoleucine 3526 with valine.
Molecular consequence: missense variant.
Genome position (GRCh38, 1-based): chr13:23,333,300, T>C on the plus strand (A>G on the coding strand, the complement: SACS is on the minus strand). VCF-style: chr13-23333300-T-C. GRCh37 (hg19) VCF-style: chr13-23907439-T-C.
Other names: p.Ile3526Val; c.10135A>G, p.Ile3379Val (NM_001278055.2); short protein forms I3526V, I3379V.
Identifiers: ClinVar variation 311511 (VCV000311511.17), dbSNP rs199881455, ClinGen allele CA6910428.